The following is an entry in ClinVar:

ClinVar aggregate classification (germline): Uncertain significance (1 of 4 stars; one submission).

Conditions:
Dyskeratosis congenita. Identifiers: Orphanet 1775, MedGen C0265965, MONDO:0015780.

Submission:

Labcorp Genetics (formerly Invitae), Labcorp
Classification: Uncertain significance for Dyskeratosis congenita. Last evaluated: 2022-07-05. Review status: criteria provided, single submitter. Criteria: Invitae Variant Classification Sherloc (09022015). Collection method: clinical testing. Allele origin: germline.
Comment: In summary, the available evidence is currently insufficient to determine the role of this variant in disease. Therefore, it has been classified as a Variant of Uncertain Significance. Algorithms developed to predict the effect of missense changes on protein structure and function are either unavailable or do not agree on the potential impact of this missense change (SIFT: "Deleterious"; PolyPhen-2: "Probably Damaging"; Align-GVGD: "Class C0"). ClinVar contains an entry for this variant (Variation ID: 664747). This variant has not been reported in the literature in individuals affected with NHP2-related conditions. This variant is not present in population databases (gnomAD no frequency). This sequence change replaces isoleucine, which is neutral and non-polar, with asparagine, which is neutral and polar, at codon 78 of the NHP2 protein (p.Ile78Asn).

NM_017838.4(NHP2):c.233T>A (p.Ile78Asn)

Gene: NHP2 (NHP2 ribonucleoprotein; minus strand). Cytogenetic location: 5q35.3.
Variant type: single nucleotide variant.
Coding change: c.233T>A on transcript NM_017838.4 (MANE Select); coding-DNA position 233, T replaced by A.
Protein change: p.Ile78Asn; replaces isoleucine 78 with asparagine.
Molecular consequence: missense variant. On other transcripts: intron variant (1).
Genome position (GRCh38, 1-based): chr5:178,150,991, A>T on the plus strand (T>A on the coding strand, the complement: NHP2 is on the minus strand). VCF-style: chr5-178150991-A-T. GRCh37 (hg19) VCF-style: chr5-177577992-A-T.
Other names: c.231-1153T>A (NM_001034833.2); short protein forms I78N.
Identifiers: ClinVar variation 664747 (VCV000664747.8), dbSNP rs1348885486, ClinGen allele CA362391935.
Genomic context (GRCh38, chr5:178,150,991, plus strand): 5'-CACATGACTGGGAGATGGCAGTATACCTCAATGGGCAGTGTGTCTCCTGCCAAAACCATG[A>T]TCCTGAAATGAGAGAAAACACTGTCATCTCTGGCTTGCTCCTTCCTTCTTTCAGTTTTAA-3'
Protein context (NP_060308.1, residues 68-88): QKFVNKGEKG[Ile78Asn]MVLAGDTLPI